The following is an entry in ClinVar:

NM_001350451.2(RBFOX3):c.197C>A (p.Pro66His)

Gene: RBFOX3 (RNA binding fox-1 homolog 3; minus strand). Cytogenetic location: 17q25.3.
Variant type: single nucleotide variant.
Coding change: c.197C>A on transcript NM_001350451.2 (MANE Select); coding-DNA position 197, C replaced by A.
Protein change: p.Pro66His; replaces proline 66 with histidine.
Molecular consequence: missense variant.
Genome position (GRCh38, 1-based): chr17:79,115,519, G>T on the plus strand (C>A on the coding strand, the complement: RBFOX3 is on the minus strand). VCF-style: chr17-79115519-G-T. GRCh37 (hg19) VCF-style: chr17-77111601-G-T.
Other names: c.197C>A, p.Pro66His (NM_001082575.3, NM_001350453.2, NM_001385804.1 and 43 more transcripts); short protein forms P66H.
Identifiers: ClinVar variation 3715536 (VCV003715536.2).

ClinVar aggregate classification (germline): Uncertain significance (1 of 4 stars; one submission).

Conditions:
Idiopathic generalized epilepsy. Also called: EIG; Generalised epilepsy. Identifiers: MedGen C0270850, MONDO:0005579, OMIM 600669.

Submission:

Labcorp Genetics (formerly Invitae), Labcorp
Classification: Uncertain significance for Idiopathic generalized epilepsy. Last evaluated: 2024-11-05. Review status: criteria provided, single submitter. Criteria: Invitae Variant Classification Sherloc (09022015). Collection method: clinical testing. Allele origin: germline.
Comment: This sequence change replaces proline, which is neutral and non-polar, with histidine, which is basic and polar, at codon 66 of the RBFOX3 protein (p.Pro66His). This variant is not present in population databases (gnomAD no frequency). This variant has not been reported in the literature in individuals affected with RBFOX3-related conditions. Invitae Evidence Modeling of protein sequence and biophysical properties (such as structural, functional, and spatial information, amino acid conservation, physicochemical variation, residue mobility, and thermodynamic stability) indicates that this missense variant is not expected to disrupt RBFOX3 protein function with a negative predictive value of 80%. In summary, the available evidence is currently insufficient to determine the role of this variant in disease. Therefore, it has been classified as a Variant of Uncertain Significance.